The following is an entry in ClinVar:

ClinVar aggregate classification (germline): Likely benign (1 of 4 stars; one submission).

Allele frequency attached by ClinVar (database versions not stated): 1000 Genomes Project 30x 0.00109; 1000 Genomes Project 0.00180; gnomAD 0.00435; gnomAD exomes 0.00590.
gnomAD v4.1: 6,005 of 1,041,756 alleles (0.58%); highest among the groups gnomAD compares: Non-Finnish European, 0.66%; 1,853 homozygotes.

Submission:

CeGaT Center for Human Genetics Tuebingen
Classification: Likely benign. Last evaluated: 2024-05-01. Review status: criteria provided, single submitter. Criteria: CeGaT Center For Human Genetics Tuebingen Variant Classification Criteria Version 2. Collection method: clinical testing. Allele origin: germline. Affected: yes. Observed: 3 variant alleles.
Comment: SPDYE16: BS2

NM_001394943.1(SPDYE16):c.445G>C (p.Asp149His)

Gene: SPDYE16 (speedy/RINGO cell cycle regulator family member E16; minus strand). Cytogenetic location: 7q11.23.
Variant type: single nucleotide variant.
Coding change: c.445G>C on transcript NM_001394943.1 (MANE Select); coding-DNA position 445, G replaced by C.
Protein change: p.Asp149His; replaces aspartic acid 149 with histidine.
Molecular consequence: missense variant.
Genome position (GRCh38, 1-based): chr7:76,538,751, C>G on the plus strand (G>C on the coding strand, the complement: SPDYE16 is on the minus strand). VCF-style: chr7-76538751-C-G. GRCh37 (hg19) VCF-style: chr7-76168068-C-G.
Other names: c.325G>C, p.Asp109His (NM_001351597.1); short protein forms D109H, D149H.
Identifiers: ClinVar variation 2657629 (VCV002657629.24), dbSNP rs201797382, ClinGen allele CA160948289.